The following is an entry in ClinVar:

ClinVar aggregate classification (germline): Uncertain significance. Review status: criteria provided, multiple submitters, no conflicts (2 of 4 stars). 2 submissions from 2 submitters: Uncertain significance (2). Last evaluated 2026-05-15.

Conditions:
Inborn genetic diseases. Identifiers: MedGen C0950123, MeSH D030342.
Baller-Gerold syndrome (BGS). Also called: CRANIOSYNOSTOSIS WITH RADIAL DEFECTS. Identifiers: Orphanet 1225, MedGen C0265308, MONDO:0009039, OMIM 218600.

Submissions (2):

Ambry Genetics
Classification: Uncertain significance for Inborn genetic diseases. Last evaluated: 2026-05-15. Review status: criteria provided, single submitter. Criteria: Ambry Variant Classification Scheme 2023. Collection method: clinical testing. Allele origin: germline.
Comment: The p.P149T variant (also known as c.445C>A), located in coding exon 5 of the RECQL4 gene, results from a C to A substitution at nucleotide position 445. The proline at codon 149 is replaced by threonine, an amino acid with highly similar properties. This amino acid position is conserved. In addition, this alteration is predicted to be tolerated by in silico analysis. Based on the available evidence, the clinical significance of this variant remains unclear.

Labcorp Genetics (formerly Invitae), Labcorp
Classification: Uncertain significance for Baller-Gerold syndrome. Last evaluated: 2023-03-04. Review status: criteria provided, single submitter. Criteria: Invitae Variant Classification Sherloc (09022015). Collection method: clinical testing. Allele origin: germline.
Comment: In summary, the available evidence is currently insufficient to determine the role of this variant in disease. Therefore, it has been classified as a Variant of Uncertain Significance. Advanced modeling of protein sequence and biophysical properties (such as structural, functional, and spatial information, amino acid conservation, physicochemical variation, residue mobility, and thermodynamic stability) performed at Invitae indicates that this missense variant is not expected to disrupt RECQL4 protein function. This variant has not been reported in the literature in individuals affected with RECQL4-related conditions. This variant is not present in population databases (gnomAD no frequency). This sequence change replaces proline, which is neutral and non-polar, with threonine, which is neutral and polar, at codon 149 of the RECQL4 protein (p.Pro149Thr).

NM_004260.4(RECQL4):c.445C>A (p.Pro149Thr)

Gene: RECQL4 (RecQ like helicase 4; minus strand). Cytogenetic location: 8q24.3.
Variant type: single nucleotide variant.
Coding change: c.445C>A on transcript NM_004260.4 (MANE Select); coding-DNA position 445, C replaced by A.
Protein change: p.Pro149Thr; replaces proline 149 with threonine.
Molecular consequence: missense variant. On other transcripts: 5 prime UTR variant (12), non-coding transcript variant (3), intron variant (6).
Genome position (GRCh38, 1-based): chr8:144,516,674, G>T on the plus strand (C>A on the coding strand, the complement: RECQL4 is on the minus strand). VCF-style: chr8-144516674-G-T. GRCh37 (hg19) VCF-style: chr8-145742058-G-T.
Other names: c.445C>A, p.Pro149Thr (NM_001413017.1, NM_001413018.1, NM_001413019.1 and 4 more transcripts); c.-627C>A (NM_001413022.1, NM_001413023.1, NM_001413037.1 and 3 more transcripts); c.316C>A, p.Pro106Thr (NM_001413025.1); c.-689C>A (NM_001413027.1, NM_001413030.1, NM_001413031.1 and 1 more transcripts); c.-531C>A (NM_001413034.1); c.-896C>A (NM_001413043.1); c.355-261C>A (NM_001413029.1); c.-676-13C>A (NM_001413032.1); and 4 more; short protein forms P106T, P149T.
Identifiers: ClinVar variation 2842762 (VCV002842762.4), dbSNP rs766844431, ClinGen allele CA372691461.
Genomic context (GRCh38, chr8:144,516,674, plus strand): 5'-GCCTTGGCTGGGGCTCAGGGAGCTGTGGAGGCTCATCACTGACTTTTTCTGCAAAGGAGG[G>T]GACAGGCCCTGTACCTGGGGGCTTTGGGGTGGATGCCTTAGATGAGGCTCTTCCTAGAGG-3'
Protein context (NP_004251.4, residues 139-159): TPKPPGTGPV[Pro149Thr]SFAEKVSDEP